The following is an entry in ClinVar:

NM_012431.3(SEMA3E):c.2154T>G (p.Gly718=)

Gene: SEMA3E (semaphorin 3E; minus strand). Cytogenetic location: 7q21.11.
Variant type: single nucleotide variant.
Coding change: c.2154T>G on transcript NM_012431.3 (MANE Select); coding-DNA position 2154, T replaced by G.
Protein change: p.Gly718=; no amino-acid change (glycine 718 retained).
Molecular consequence: synonymous variant.
Genome position (GRCh38, 1-based): chr7:83,367,760, A>C on the plus strand (T>G on the coding strand, the complement: SEMA3E is on the minus strand). VCF-style: chr7-83367760-A-C. GRCh37 (hg19) VCF-style: chr7-82997076-A-C.
Other names: c.1974T>G, p.Gly658= (NM_001178129.2).
Identifiers: ClinVar variation 3356181 (VCV003356181.1).

ClinVar aggregate classification (germline): Likely benign (0 of 4 stars; one submission).

Conditions:
SEMA3E-related disorder. Also called: SEMA3E-related condition.

Submission:

PreventionGenetics, part of Exact Sciences
Classification: Likely benign for SEMA3E-related condition. Last evaluated: 2023-05-12. Review status: no assertion criteria provided. Collection method: clinical testing. Allele origin: germline.
Comment: This variant is classified as likely benign based on ACMG/AMP sequence variant interpretation guidelines (Richards et al. 2015 PMID: 25741868, with internal and published modifications).